The following is an entry in ClinVar:

ClinVar aggregate classification (germline): Pathogenic (1 of 4 stars; one submission).

Conditions:
Vici syndrome (VICIS). Identifiers: Orphanet 1493, MedGen C1855772, MONDO:0009452, OMIM 242840.

Submission:

Labcorp Genetics (formerly Invitae), Labcorp
Classification: Pathogenic for Vici syndrome. Last evaluated: 2023-09-26. Review status: criteria provided, single submitter. Criteria: Invitae Variant Classification Sherloc (09022015). Collection method: clinical testing. Allele origin: germline.
Comment: For these reasons, this variant has been classified as Pathogenic. ClinVar contains an entry for this variant (Variation ID: 581925). This variant has not been reported in the literature in individuals affected with EPG5-related conditions. This variant is not present in population databases (gnomAD no frequency). This sequence change creates a premature translational stop signal (p.Glu1980*) in the EPG5 gene. It is expected to result in an absent or disrupted protein product. Loss-of-function variants in EPG5 are known to be pathogenic (PMID: 23222957, 23674064).

Literature cited by the submitters: PubMed 23222957; PubMed 23674064.

NM_020964.3(EPG5):c.5938G>T (p.Glu1980Ter)

Gene: EPG5 (ectopic P-granules 5 autophagy tethering factor; minus strand). Cytogenetic location: 18q12.3.
Variant type: single nucleotide variant.
Coding change: c.5938G>T on transcript NM_020964.3 (MANE Select); coding-DNA position 5938, G replaced by T.
Protein change: p.Glu1980Ter; replaces glutamic acid 1980 with a stop codon.
Molecular consequence: nonsense.
Genome position (GRCh38, 1-based): chr18:45,878,380, C>A on the plus strand (G>T on the coding strand, the complement: EPG5 is on the minus strand). VCF-style: chr18-45878380-C-A. GRCh37 (hg19) VCF-style: chr18-43458345-C-A.
Other names: c.5938G>T, p.Glu1980Ter (LRG_1234t1); short protein forms E1980*.
Identifiers: ClinVar variation 581925 (VCV000581925.7), dbSNP rs763614919, ClinGen allele CA402341877.